The following is an entry in ClinVar:

ClinVar aggregate classification (germline): Uncertain significance (1 of 4 stars; one submission).

Submission:

Labcorp Genetics (formerly Invitae), Labcorp
Classification: Uncertain significance. Last evaluated: 2022-08-23. Review status: criteria provided, single submitter. Criteria: Invitae Variant Classification Sherloc (09022015). Collection method: clinical testing. Allele origin: germline.
Comment: ClinVar contains an entry for this variant (Variation ID: 1460982). This variant has not been reported in the literature in individuals affected with ARHGEF18-related conditions. This variant is not present in population databases (gnomAD no frequency). This sequence change falls in intron 2 of the ARHGEF18 gene. It does not directly change the encoded amino acid sequence of the ARHGEF18 protein. It affects a nucleotide within the consensus splice site. In summary, the available evidence is currently insufficient to determine the role of this variant in disease. Therefore, it has been classified as a Variant of Uncertain Significance. Variants that disrupt the consensus splice site are a relatively common cause of aberrant splicing (PMID: 17576681, 9536098). Algorithms developed to predict the effect of sequence changes on RNA splicing suggest that this variant is not likely to affect RNA splicing.

Literature cited by the submitters: PubMed 17576681; PubMed 9536098.

NM_001367823.1(ARHGEF18):c.1219+5G>A

Gene: ARHGEF18 (Rho/Rac guanine nucleotide exchange factor 18; plus strand). Cytogenetic location: 19p13.2.
Variant type: single nucleotide variant.
Coding change: c.1219+5G>A on transcript NM_001367823.1 (MANE Select); 5 bases into the intron after coding-DNA position 1219, G replaced by A.
Molecular consequence: intron variant.
Genome position (GRCh38, 1-based): chr19:7,441,770, G>A. VCF-style: chr19-7441770-G-A. GRCh37 (hg19) VCF-style: chr19-7506656-G-A.
Other names: c.181+5G>A (NM_001367824.1, NM_015318.4); c.493+5G>A (NM_001130955.2).
Identifiers: ClinVar variation 1460982 (VCV001460982.6), dbSNP rs778848695, ClinGen allele CA2573155981.